The following is an entry in ClinVar:

ClinVar aggregate classification (germline): Uncertain significance (1 of 4 stars; one submission).

Submission:

Labcorp Genetics (formerly Invitae), Labcorp
Classification: Uncertain significance. Last evaluated: 2022-03-19. Review status: criteria provided, single submitter. Criteria: Invitae Variant Classification Sherloc (09022015). Collection method: clinical testing. Allele origin: germline.
Comment: In summary, the available evidence is currently insufficient to determine the role of this variant in disease. Therefore, it has been classified as a Variant of Uncertain Significance. This sequence change replaces tyrosine, which is neutral and polar, with histidine, which is basic and polar, at codon 294 of the PDZD7 protein (p.Tyr294His). This variant is not present in population databases (gnomAD no frequency). This variant has not been reported in the literature in individuals affected with PDZD7-related conditions. Algorithms developed to predict the effect of missense changes on protein structure and function are either unavailable or do not agree on the potential impact of this missense change (SIFT: "Deleterious"; PolyPhen-2: "Not Available"; Align-GVGD: "Class C35").

NM_001195263.2(PDZD7):c.880T>C (p.Tyr294His)

Gene: PDZD7 (PDZ domain containing 7; minus strand). Cytogenetic location: 10q24.31.
Variant type: single nucleotide variant.
Coding change: c.880T>C on transcript NM_001195263.2 (MANE Select); coding-DNA position 880, T replaced by C.
Protein change: p.Tyr294His; replaces tyrosine 294 with histidine.
Molecular consequence: missense variant.
Genome position (GRCh38, 1-based): chr10:101,020,666, A>G on the plus strand (T>C on the coding strand, the complement: PDZD7 is on the minus strand). VCF-style: chr10-101020666-A-G. GRCh37 (hg19) VCF-style: chr10-102780423-A-G.
Other names: c.880T>C, p.Tyr294His (NM_001351044.2, NM_024895.5); short protein forms Y294H.
Identifiers: ClinVar variation 2114521 (VCV002114521.4), dbSNP rs1590063811, ClinGen allele CA378229390.
Genomic context (GRCh38, chr10:101,020,666, plus strand): 5'-TGAGCCACTTACGTCGGTCCAGCCAGCAGTACTCAGAAACCATCTCCTTGTAGGCAGGAT[A>G]CCGGCCGGTCTCCTGGGGAGGGGATGGTGGGCATAGGAGGGAAGGGGGAGCAGTGAGGAG-3'
Protein context (NP_001182192.1, residues 284-304): IMLTIKETGR[Tyr294His]PAYKEMVSEY